The following is an entry in ClinVar:

NM_020800.3(IFT80):c.629_630del (p.Asp209_Cys210insTer)

Genes: TRIM59-IFT80 (TRIM59-IFT80 readthrough (NMD candidate); minus strand), IFT80 (intraflagellar transport 80; minus strand). Cytogenetic location: 3q25.33.
Variant type: Deletion.
Coding change: c.629_630del on transcript NM_020800.3 (MANE Select); coding-DNA positions 629 to 630, 2 bases deleted (GT; older notation c.629_630delGT).
Protein change: p.Asp209_Cys210insTer.
Molecular consequence: nonsense. On other transcripts: non-coding transcript variant (3).
Genome position (GRCh38, 1-based): chr3:160,357,498-160,357,499, AC deleted on the plus strand (GT on the coding strand, the reverse complement: IFT80 is on the minus strand); deleting any 2 consecutive bases within chr3:160,357,498-160,357,500 gives the same sequence; the c. name uses the placement nearest the transcript's 3' end. VCF-style (leftmost placement, unchanged base first): chr3-160357497-TAC-T. GRCh37 (hg19) VCF-style: chr3-160075285-TAC-T.
Other names: c.218_219del, p.Asp72_Cys73insTer (NM_001190241.2, NM_001190242.2).
Identifiers: ClinVar variation 1365265 (VCV001365265.6), dbSNP rs1307708371, ClinGen allele CA547381461.

ClinVar aggregate classification (germline): Pathogenic (1 of 4 stars; one submission).

Conditions:
Jeune thoracic dystrophy. Also called: Jeune syndrome; Infantile thoracic dystrophy; Thoracic pelvic phalangeal dystrophy; Jeune's syndrome; Chondroectodermal dysplasia-like syndrome; Short-rib thoracic dysplasia. Identifiers: Orphanet 474, MedGen C0265275, MONDO:0018770.

Submission:

Labcorp Genetics (formerly Invitae), Labcorp
Classification: Pathogenic for Jeune thoracic dystrophy. Last evaluated: 2021-03-30. Review status: criteria provided, single submitter. Criteria: Invitae Variant Classification Sherloc (09022015). Collection method: clinical testing. Allele origin: germline.
Comment: For these reasons, this variant has been classified as Pathogenic. This variant has not been reported in the literature in individuals with IFT80-related conditions. This variant is not present in population databases (ExAC no frequency). This sequence change creates a premature translational stop signal (p.Cys210*) in the IFT80 gene. It is expected to result in an absent or disrupted protein product. Loss-of-function variants in IFT80 are known to be pathogenic (PMID: 21227999, 23339108, 29068549).

Literature cited by the submitters: PubMed 21227999; PubMed 23339108; PubMed 29068549.